The following is an entry in ClinVar:

NM_182931.3(KMT2E):c.1014G>T (p.Lys338Asn)

Gene: KMT2E (lysine methyltransferase 2E (inactive); plus strand). Cytogenetic location: 7q22.3.
Variant type: single nucleotide variant.
Coding change: c.1014G>T on transcript NM_182931.3 (MANE Select); coding-DNA position 1014, G replaced by T.
Protein change: p.Lys338Asn; replaces lysine 338 with asparagine.
Molecular consequence: missense variant.
Genome position (GRCh38, 1-based): chr7:105,077,317, G>T. VCF-style: chr7-105077317-G-T. GRCh37 (hg19) VCF-style: chr7-104717764-G-T.
Other names: c.1014G>T, p.Lys338Asn (NM_001410908.1, NM_018682.4); short protein forms K338N.
Identifiers: ClinVar variation 2307139 (VCV002307139.3), dbSNP rs2536428512, ClinGen allele CA368777971.

ClinVar aggregate classification (germline): Uncertain significance. Review status: criteria provided, multiple submitters, no conflicts (2 of 4 stars). 2 submissions from 2 submitters: Uncertain significance (2). Last evaluated 2022-09-07.

Conditions:
Inborn genetic diseases. Identifiers: MedGen C0950123, MeSH D030342.

Submissions (2):

GeneDx
Classification: Uncertain significance. Last evaluated: 2022-09-07. Review status: criteria provided, single submitter. Criteria: GeneDx Variant Classification Process June 2021. Collection method: clinical testing. Allele origin: germline. Affected: yes.
Comment: Not observed at significant frequency in large population cohorts (gnomAD); In silico analysis supports that this missense variant has a deleterious effect on protein structure/function; Has not been previously published as pathogenic or benign to our knowledge

Ambry Genetics
Classification: Uncertain significance for Inborn genetic diseases. Last evaluated: 2022-08-16. Review status: criteria provided, single submitter. Criteria: Ambry Variant Classification Scheme 2023. Collection method: clinical testing. Allele origin: germline.